The following is an entry in ClinVar:

ClinVar aggregate classification (germline): Benign/Likely benign. Review status: criteria provided, multiple submitters, no conflicts (2 of 4 stars). 3 submissions from 3 submitters: Benign (1); Likely benign (2). Last evaluated 2026-01-26.

Conditions:
TTLL5-related disorder. Also called: TTLL5-related condition.

Allele frequency attached by ClinVar (database versions not stated): ESP Exome Variant Server 0.00008; gnomAD 0.00017 and 0.00027; gnomAD exomes 0.00052; ExAC 0.00054; 1000 Genomes Project 0.00120; 1000 Genomes Project 30x 0.00141.
gnomAD v4.1: 522 of 1,613,498 alleles (0.032%); highest among the groups gnomAD compares: East Asian, 0.84%; 1 homozygote.

Submissions (3):

Labcorp Genetics (formerly Invitae), Labcorp
Classification: Benign. Last evaluated: 2026-01-26. Review status: criteria provided, single submitter. Criteria: Invitae Variant Classification Sherloc (09022015). Collection method: clinical testing. Allele origin: germline.

PreventionGenetics, part of Exact Sciences
Classification: Likely benign for TTLL5-related condition. Last evaluated: 2025-02-03. Review status: criteria provided, single submitter. Criteria: ACMG Guidelines, 2015. Collection method: clinical testing. Allele origin: germline.
Comment: This variant is classified as likely benign based on ACMG/AMP sequence variant interpretation guidelines (Richards et al. 2015 PMID: 25741868, with internal and published modifications).

Blueprint Genetics
Classification: Likely benign. Last evaluated: 2024-10-11. Review status: criteria provided, single submitter. Criteria: ACMG Guidelines, 2015. Collection method: clinical testing. Allele origin: germline.

NM_015072.5(TTLL5):c.2970C>G (p.Pro990=)

Gene: TTLL5 (tubulin tyrosine ligase like 5; plus strand). Cytogenetic location: 14q24.3.
Variant type: single nucleotide variant.
Coding change: c.2970C>G on transcript NM_015072.5 (MANE Select); coding-DNA position 2970, C replaced by G.
Protein change: p.Pro990=; no amino-acid change (proline 990 retained).
Molecular consequence: synonymous variant.
Genome position (GRCh38, 1-based): chr14:75,783,514, C>G. VCF-style: chr14-75783514-C-G. GRCh37 (hg19) VCF-style: chr14-76249857-C-G.
Other names: c.2970C>G (NM_015072.4).
Identifiers: ClinVar variation 1164983 (VCV001164983.11), dbSNP rs140291071, ClinGen allele CA7279848.